The following is an entry in ClinVar:

NM_001034853.2(RPGR):c.548C>G (p.Pro183Arg)

Gene: RPGR (retinitis pigmentosa GTPase regulator; minus strand). Cytogenetic location: Xp11.4.
Variant type: single nucleotide variant.
Coding change: c.548C>G on transcript NM_001034853.2 (MANE Select); coding-DNA position 548, C replaced by G.
Protein change: p.Pro183Arg; replaces proline 183 with arginine.
Molecular consequence: missense variant. On other transcripts: non-coding transcript variant (5).
Genome position (GRCh38, 1-based): chrX:38,317,387, G>C on the plus strand (C>G on the coding strand, the complement: RPGR is on the minus strand). VCF-style: chrX-38317387-G-C. GRCh37 (hg19) VCF-style: chrX-38176640-G-C.
Other names: c.548C>G, p.Pro183Arg (NM_000328.3, NM_001367245.1, NM_001367246.1 and 3 more transcripts); c.578C>G, p.Pro193Arg (NM_001367248.1); c.545C>G, p.Pro182Arg (NM_001367249.1); short protein forms P182R, P183R, P193R.
Identifiers: ClinVar variation 5020638 (VCV005020638.1).

ClinVar aggregate classification (germline): Uncertain significance (1 of 4 stars; one submission).

Submission:

Dasa
Classification: Uncertain significance. Last evaluated: 2026-05-03. Review status: criteria provided, single submitter. Criteria: DASA Assertion Criteria. Collection method: clinical testing. Allele origin: germline.
Comment: NM_001034853.2(RPGR):c.548C>G (p.Pro183Arg) is a missense variant that results in the substitution of proline with arginine. This variant is absent from population databases. Computational prediction algorithms are consistent with a deleterious effect. The currently available literature and clinical evidence are not sufficient to establish a definitive association between this variant and the reported condition. Therefore, this variant is classified as a variant of uncertain significance.